The following is an entry in ClinVar:

NM_002109.6(HARS1):c.261C>G (p.His87Gln)

Gene: HARS1 (histidyl-tRNA synthetase 1; minus strand). Cytogenetic location: 5q31.3.
Variant type: single nucleotide variant.
Coding change: c.261C>G on transcript NM_002109.6 (MANE Select); coding-DNA position 261, C replaced by G.
Protein change: p.His87Gln; replaces histidine 87 with glutamine.
Molecular consequence: missense variant. On other transcripts: intron variant (3).
Genome position (GRCh38, 1-based): chr5:140,683,139, G>C on the plus strand (C>G on the coding strand, the complement: HARS1 is on the minus strand). VCF-style: chr5-140683139-G-C. GRCh37 (hg19) VCF-style: chr5-140062724-G-C.
Other names: c.261C>G, p.His87Gln (NM_001258041.3, NM_001289092.2); c.174C>G, p.His58Gln (NM_001289094.2); c.181-5124C>G (NM_001289093.2); c.181-3256C>G (NM_001258042.3, NM_001258040.3); short protein forms H87Q, H58Q.
Identifiers: ClinVar variation 2982120 (VCV002982120.3), dbSNP rs181930530, ClinGen allele CA128379089.
Genomic context (GRCh38, chr5:140,683,139, plus strand): 5'-TTCTTCTTGCCCATTCCTCACCTTTAGTTCAAATACAGGTGTATCAATGACTTCTGCACC[G>C]TGGCGCTTGAAGCAACGGATGATTACGTCAAACACCTTCTCGCGAACTGCCATCTGCCGG-3'
Protein context (NP_002100.2, residues 77-97): FDVIIRCFKR[His87Gln]GAEVIDTPVF

ClinVar aggregate classification (germline): Uncertain significance (1 of 4 stars; one submission).

Conditions:
Usher syndrome type 3B. Also called: USHER SYNDROME, TYPE IIIB. Identifiers: MedGen C3281066, MONDO:0013788, OMIM 614504.

gnomAD v4.1: 1 of 1,613,848 alleles (0.000062%); highest among the groups gnomAD compares: African/African-American, 0.0013%; no homozygotes.

Submission:

Labcorp Genetics (formerly Invitae), Labcorp
Classification: Uncertain significance for Usher syndrome type 3B. Last evaluated: 2025-01-07. Review status: criteria provided, single submitter. Criteria: Invitae Variant Classification Sherloc (09022015). Collection method: clinical testing. Allele origin: germline.
Comment: This sequence change replaces histidine, which is basic and polar, with glutamine, which is neutral and polar, at codon 87 of the HARS protein (p.His87Gln). This variant is not present in population databases (gnomAD no frequency). This variant has not been reported in the literature in individuals affected with HARS-related conditions. ClinVar contains an entry for this variant (Variation ID: 2982120). Invitae Evidence Modeling of protein sequence and biophysical properties (such as structural, functional, and spatial information, amino acid conservation, physicochemical variation, residue mobility, and thermodynamic stability) indicates that this missense variant is expected to disrupt HARS protein function with a positive predictive value of 80%. In summary, the available evidence is currently insufficient to determine the role of this variant in disease. Therefore, it has been classified as a Variant of Uncertain Significance.